The following is an entry in ClinVar:

ClinVar aggregate classification (germline): Uncertain significance (1 of 4 stars; one submission).

gnomAD v4.1: 1 of 1,612,986 alleles (0.000062%); highest among the groups gnomAD compares: Non-Finnish European, 0.000085%; no homozygotes.

Submission:

Women's Health and Genetics/Laboratory Corporation of America, LabCorp
Classification: Uncertain significance. Last evaluated: 2025-09-04. Review status: criteria provided, single submitter. Criteria: LabCorp Variant Classification Summary - May 2015. Collection method: clinical testing. Allele origin: germline.
Comment: Variant summary: EEF1A2 c.55G>A (p.Gly19Arg) results in a non-conservative amino acid change in the encoded protein sequence. Algorithms developed to predict the effect of missense changes on protein structure and function all suggest that this variant is likely to be disruptive. The variant was absent in 250442 control chromosomes. The available data on variant occurrences in the general population are insufficient to allow any conclusion about variant significance. To our knowledge, no occurrence of c.55G>A in individuals affected with EEF1A2-related conditions and no experimental evidence demonstrating its impact on protein function have been reported. No submitters have cited clinical-significance assessments for this variant to ClinVar. Based on the evidence outlined above, the variant was classified as uncertain significance.

NM_001958.5(EEF1A2):c.55G>A (p.Gly19Arg)

Gene: EEF1A2 (eukaryotic translation elongation factor 1 alpha 2; minus strand). Cytogenetic location: 20q13.33.
Variant type: single nucleotide variant.
Coding change: c.55G>A on transcript NM_001958.5 (MANE Select); coding-DNA position 55, G replaced by A.
Protein change: p.Gly19Arg; replaces glycine 19 with arginine.
Molecular consequence: missense variant.
Genome position (GRCh38, 1-based): chr20:63,497,709, C>T on the plus strand (G>A on the coding strand, the complement: EEF1A2 is on the minus strand). VCF-style: chr20-63497709-C-T. GRCh37 (hg19) VCF-style: chr20-62129062-C-T.
Other names: short protein forms G19R.
Identifiers: ClinVar variation 4535814 (VCV004535814.1).
Genomic context (GRCh38, chr20:63,497,709, plus strand): 5'-TGGTCCTTTTGTCAATACCTCCGCATTTGTAGATGAGGTGGCCCGTGGTGGTGGACTTTC[C>T]GGAGTCCACGTGGCCGATGACCACGATGTTGATGTGGGTCTTCTCCTTGCCCATTTTGCT-3'
Protein context (NP_001949.1, residues 9-29): NIVVIGHVDS[Gly19Arg]KSTTTGHLIY